The following is an entry in ClinVar:

ClinVar aggregate classification (germline): Conflicting classifications of pathogenicity. Review status: criteria provided, conflicting classifications (1 of 4 stars). 5 submissions from 5 submitters: Uncertain significance (3); Likely benign (1). 1 of the submissions does not count toward it. Last evaluated 2024-09-10.

Conditions:
Inborn genetic diseases. Identifiers: MedGen C0950123, MeSH D030342.
Polycystic kidney disease 4 (PKD4). Also called: POLYCYSTIC KIDNEY AND HEPATIC DISEASE 1; POLYCYSTIC KIDNEY DISEASE, INFANTILE, TYPE I; PKD3; Autosomal Recessive Polycystic Kidney Disease – PKHD1; POLYCYSTIC KIDNEY DISEASE 4 WITH OR WITHOUT POLYCYSTIC LIVER DISEASE. Identifiers: MedGen C4540575, MONDO:0033004, OMIM 263200.
Autosomal recessive polycystic kidney disease (ARPKD). Also called: AR polycystic kidney disease. Identifiers: Orphanet 731, Orphanet 8378, MedGen C0085548, MeSH D017044, MONDO:0009889.

Allele frequency attached by ClinVar (database versions not stated): gnomAD 0.00001; TOPMed 0.00004.
gnomAD v4.1: 13 of 1,613,658 alleles (0.00081%); highest among the groups gnomAD compares: Admixed American, 0.0033%; no homozygotes.

Submissions (5):

Ambry Genetics
Classification: Likely benign for Inborn genetic diseases. Last evaluated: 2024-09-10. Review status: criteria provided, single submitter. Criteria: Ambry Variant Classification Scheme 2023. Collection method: clinical testing. Allele origin: germline.

Fulgent Genetics
Classification: Uncertain significance for Polycystic kidney disease 4. Last evaluated: 2024-01-17. Review status: criteria provided, single submitter. Criteria: ACMG Guidelines, 2015. Collection method: clinical testing. Allele origin: germline.

Labcorp Genetics (formerly Invitae), Labcorp
Classification: Uncertain significance for Autosomal recessive polycystic kidney disease. Last evaluated: 2021-08-30. Review status: criteria provided, single submitter. Criteria: Invitae Variant Classification Sherloc (09022015). Collection method: clinical testing. Allele origin: germline.
Comment: This sequence change replaces arginine with glutamine at codon 2671 of the PKHD1 protein (p.Arg2671Gln). The arginine residue is weakly conserved and there is a small physicochemical difference between arginine and glutamine. This variant is not present in population databases (ExAC no frequency). This variant has not been reported in the literature in individuals affected with PKHD1-related conditions. ClinVar contains an entry for this variant (Variation ID: 496525). Algorithms developed to predict the effect of missense changes on protein structure and function output the following: SIFT: "Tolerated"; PolyPhen-2: "Benign"; Align-GVGD: "Class C0". The glutamine amino acid residue is found in multiple mammalian species, which suggests that this missense change does not adversely affect protein function. In summary, the available evidence is currently insufficient to determine the role of this variant in disease. Therefore, it has been classified as a Variant of Uncertain Significance.

Women's Health and Genetics/Laboratory Corporation of America, LabCorp
Classification: Uncertain significance. Last evaluated: 2016-08-09. Review status: criteria provided, single submitter. Criteria: LabCorp Variant Classification Summary - May 2015. Collection method: clinical testing. Allele origin: germline.
Comment: Variant summary: The PKHD1 c.8012G>A (p.Arg2671Gln) variant involves the alteration of a non-conserved nucleotide. 4/4 in silico tools predict a benign outcome for this variant. This variant is not located in any known domain (InterPro). This variant is absent in 121358 control chromosomes. The variant of interest has not, to our knowledge, been reported in affected individuals via publications and/or clinical diagnostic laboratories, nor evaluated for functional impact by in vivo/vitro studies. Because of the absence of clinical information and the lack of functional studies, the variant is classified as a variant of uncertain significance (VUS) until additional information becomes available.

Natera, Inc.
Classification: Uncertain significance for Autosomal recessive polycystic kidney disease. Last evaluated: 2018-06-30. Review status: no assertion criteria provided. Collection method: clinical testing. Allele origin: germline. Not counted in ClinVar's aggregate classification.

NM_138694.4(PKHD1):c.8012G>A (p.Arg2671Gln)

Gene: PKHD1 (PKHD1 ciliary IPT domain containing fibrocystin/polyductin; minus strand). Cytogenetic location: 6p12.2.
Variant type: single nucleotide variant.
Coding change: c.8012G>A on transcript NM_138694.4 (MANE Select); coding-DNA position 8012, G replaced by A.
Protein change: p.Arg2671Gln; replaces arginine 2671 with glutamine.
Molecular consequence: missense variant.
Genome position (GRCh38, 1-based): chr6:51,847,870, C>T on the plus strand (G>A on the coding strand, the complement: PKHD1 is on the minus strand). VCF-style: chr6-51847870-C-T. GRCh37 (hg19) VCF-style: chr6-51712668-C-T.
Other names: c.8012G>A, p.Arg2671Gln (NM_170724.3); short protein forms R2671Q.
Identifiers: ClinVar variation 496525 (VCV000496525.12), dbSNP rs778592523, ClinGen allele CA138910869.